The following is an entry in ClinVar:

NM_004360.5(CDH1):c.2179C>T (p.Leu727Phe)

Gene: CDH1 (cadherin 1; plus strand). Cytogenetic location: 16q22.1.
Variant type: single nucleotide variant.
Coding change: c.2179C>T on transcript NM_004360.5 (MANE Select); coding-DNA position 2179, C replaced by T.
Protein change: p.Leu727Phe; replaces leucine 727 with phenylalanine.
Molecular consequence: missense variant.
Genome position (GRCh38, 1-based): chr16:68,828,188, C>T. VCF-style: chr16-68828188-C-T. GRCh37 (hg19) VCF-style: chr16-68862091-C-T.
Other names: c.2179C>T (LRG_301t1); c.1996C>T, p.Leu666Phe (NM_001317184.2); c.631C>T, p.Leu211Phe (NM_001317185.2); c.214C>T, p.Leu72Phe (NM_001317186.2); short protein forms L727F, L211F, L666F, L72F.
Identifiers: ClinVar variation 418113 (VCV000418113.31), dbSNP rs578069093, ClinGen allele CA8130225.
Genomic context (GRCh38, chr16:68,828,188, plus strand): 5'-TTATCTTTGGCTCTCAACACTTGCTCTGTCTCCCCCACCATCCCAGTTCTGATTCTGCTG[C>T]TCTTGCTGTTTCTTCGGAGGAGAGCGGTGGTCAAAGAGCCCTTACTGCCCCCAGAGGATG-3'
Protein context (NP_004351.1, residues 717-737): ILALLILILL[Leu727Phe]LLFLRRRAVV

ClinVar aggregate classification (germline): Conflicting classifications of pathogenicity. Review status: criteria provided, conflicting classifications (1 of 4 stars). 6 submissions from 6 submitters: Uncertain significance (5); Likely benign (1). Last evaluated 2025-04-23.

Conditions:
Hereditary cancer-predisposing syndrome. Also called: Tumor predisposition; Neoplastic Syndromes, Hereditary; Hereditary Cancer Syndrome; Hereditary neoplastic syndrome. Identifiers: Orphanet 140162, MedGen C0027672, MeSH D009386, MONDO:0015356.
Hereditary diffuse gastric adenocarcinoma (HDGC). Also called: DIFFUSE GASTRIC AND LOBULAR BREAST CANCER SYNDROME. Identifiers: Orphanet 26106, MedGen C1708349, MONDO:0007648, OMIM 137215.

Allele frequency attached by ClinVar (database versions not stated): ExAC 0.00001; gnomAD 0.00001; gnomAD exomes 0.00001; TOPMed 0.00001; 1000 Genomes Project 30x 0.00016; 1000 Genomes Project 0.00020.
gnomAD v4.1: 7 of 1,613,944 alleles (0.00043%); highest among the groups gnomAD compares: Admixed American, 0.0017%; no homozygotes.

Submissions (6):

Labcorp Genetics (formerly Invitae), Labcorp
Classification: Uncertain significance for Hereditary diffuse gastric adenocarcinoma. Last evaluated: 2025-04-23. Review status: criteria provided, single submitter. Criteria: Invitae Variant Classification Sherloc (09022015). Collection method: clinical testing. Allele origin: germline.
Comment: This sequence change replaces leucine, which is neutral and non-polar, with phenylalanine, which is neutral and non-polar, at codon 727 of the CDH1 protein (p.Leu727Phe). This variant is present in population databases (rs578069093, gnomAD 0.003%). This variant has not been reported in the literature in individuals affected with CDH1-related conditions. ClinVar contains an entry for this variant (Variation ID: 418113). An algorithm developed to predict the effect of missense changes on protein structure and function (PolyPhen-2) suggests that this variant is likely to be tolerated. In summary, the available evidence is currently insufficient to determine the role of this variant in disease. Therefore, it has been classified as a Variant of Uncertain Significance.

Quest Diagnostics Nichols Institute San Juan Capistrano
Classification: Uncertain significance. Last evaluated: 2024-04-17. Review status: criteria provided, single submitter. Criteria: Quest Diagnostics criteria. Collection method: clinical testing. Allele origin: unknown.
Comment: The CDH1 c.2179C>T (p.Leu727Phe) variant has been reported in the published literature in an individual with breast cancer (PMID: 33471991 (2021), see also LOVD). The frequency of this variant in the general population, 0.000012 (3/251394 chromosomes (Genome Aggregation Database)), is uninformative in the assessment of its pathogenicity. Analysis of this variant using bioinformatics tools for the prediction of the effect of amino acid changes on protein structure and function yielded conflicting predictions that this variant is benign or damaging. Based on the available information, we are unable to determine the clinical significance of this variant.

Color Diagnostics, LLC DBA Color Health
Classification: Uncertain significance for Hereditary cancer-predisposing syndrome. Last evaluated: 2023-12-05. Review status: criteria provided, single submitter. Criteria: ACMG Guidelines, 2015. Collection method: clinical testing. Allele origin: germline.
Comment: This missense variant replaces leucine with phenylalanine at codon 727 of the CDH1 protein. To our knowledge, functional studies have not been reported for this variant. This variant has not been reported in individuals affected with hereditary cancer in the literature. This variant has been identified in 3/251394 chromosomes in the general population by the Genome Aggregation Database (gnomAD). The available evidence is insufficient to determine the role of this variant in disease conclusively. Therefore, this variant is classified as a Variant of Uncertain Significance.

GeneDx
Classification: Uncertain significance. Last evaluated: 2023-08-29. Review status: criteria provided, single submitter. Criteria: GeneDx Variant Classification Process June 2021. Collection method: clinical testing. Allele origin: germline. Affected: yes.
Comment: Not observed at significant frequency in large population cohorts (gnomAD); In silico analysis supports that this missense variant does not alter protein structure/function; Has not been previously published as pathogenic or benign to our knowledge; This variant is associated with the following publications: (PMID: 15235021)

Ambry Genetics
Classification: Likely benign for Hereditary cancer-predisposing syndrome. Last evaluated: 2023-04-03. Review status: criteria provided, single submitter. Criteria: Ambry Variant Classification Scheme 2023. Collection method: clinical testing. Allele origin: germline.

Women's Health and Genetics/Laboratory Corporation of America, LabCorp
Classification: Uncertain significance. Last evaluated: 2015-11-06. Review status: criteria provided, single submitter. Criteria: LabCorp Variant Classification Summary - May 2015. Collection method: clinical testing. Allele origin: germline.

Literature cited by the submitters: PubMed 33471991 (cited by Quest Diagnostics Nichols Institute San Juan Capistrano).